The following is an entry in ClinVar:

NM_001291303.3(FAT4):c.5767G>A (p.Gly1923Arg)

Gene: FAT4 (FAT atypical cadherin 4; plus strand). Cytogenetic location: 4q28.1.
Variant type: single nucleotide variant.
Coding change: c.5767G>A on transcript NM_001291303.3 (MANE Select); coding-DNA position 5767, G replaced by A.
Protein change: p.Gly1923Arg; replaces glycine 1923 with arginine.
Molecular consequence: missense variant.
Genome position (GRCh38, 1-based): chr4:125,408,641, G>A. VCF-style: chr4-125408641-G-A. GRCh37 (hg19) VCF-style: chr4-126329796-G-A.
Other names: c.5767G>A, p.Gly1923Arg (NM_001291285.3, NM_024582.6); short protein forms G1923R.
Identifiers: ClinVar variation 1993033 (VCV001993033.4), dbSNP rs2530756091, ClinGen allele CA358123531.
Genomic context (GRCh38, chr4:125,408,641, plus strand): 5'-TTATTAGATTATGAAGTACAGCAATATTATATCCTCACTGTTCGAGCAGAAGATGGTGGG[G>A]GACAATTTACTACCATCAGAGTTTATTTCAATATTCTAGATGTAAATGATAATCCACCTA-3'
Protein context (NP_001278232.1, residues 1913-1933): ILTVRAEDGG[Gly1923Arg]QFTTIRVYFN

ClinVar aggregate classification (germline): Uncertain significance (1 of 4 stars; one submission).

Submission:

Labcorp Genetics (formerly Invitae), Labcorp
Classification: Uncertain significance. Last evaluated: 2022-05-20. Review status: criteria provided, single submitter. Criteria: Invitae Variant Classification Sherloc (09022015). Collection method: clinical testing. Allele origin: germline.
Comment: In summary, the available evidence is currently insufficient to determine the role of this variant in disease. Therefore, it has been classified as a Variant of Uncertain Significance. Advanced modeling of protein sequence and biophysical properties (such as structural, functional, and spatial information, amino acid conservation, physicochemical variation, residue mobility, and thermodynamic stability) performed at Invitae indicates that this missense variant is not expected to disrupt FAT4 protein function. This variant has not been reported in the literature in individuals affected with FAT4-related conditions. This variant is not present in population databases (gnomAD no frequency). This sequence change replaces glycine, which is neutral and non-polar, with arginine, which is basic and polar, at codon 1923 of the FAT4 protein (p.Gly1923Arg).